The following is an entry in ClinVar:

ClinVar aggregate classification (germline): Uncertain significance (1 of 4 stars; one submission).

Conditions:
Intellectual developmental disorder, X-linked 1. Also called: Atkin Flaitz Patil Smith syndrome; MENTAL RETARDATION, X-LINKED 18; MENTAL RETARDATION, X-LINKED 78; Intellectual disability, X-linked 1. Identifiers: Orphanet 777, MedGen C2931498, MONDO:0010656, OMIM 309530.

Allele frequency attached by ClinVar (database versions not stated): gnomAD 0.00001.
gnomAD v4.1: 1 of 1,161,792 alleles (0.000086%); highest among the groups gnomAD compares: Admixed American, 0.0026%; no homozygotes.

Submission:

Labcorp Genetics (formerly Invitae), Labcorp
Classification: Uncertain significance for Intellectual developmental disorder, X-linked 1. Last evaluated: 2022-07-27. Review status: criteria provided, single submitter. Criteria: Invitae Variant Classification Sherloc (09022015). Collection method: clinical testing. Allele origin: germline.
Comment: In summary, the available evidence is currently insufficient to determine the role of this variant in disease. Therefore, it has been classified as a Variant of Uncertain Significance. Algorithms developed to predict the effect of sequence changes on RNA splicing suggest that this variant may create or strengthen a splice site. This variant is not present in population databases (gnomAD no frequency). This variant has not been reported in the literature in individuals affected with IQSEC2-related conditions. This sequence change falls in intron 9 of the IQSEC2 gene. It does not directly change the encoded amino acid sequence of the IQSEC2 protein.

NM_001111125.3(IQSEC2):c.2889+12G>C

Gene: IQSEC2 (IQ motif and Sec7 domain ArfGEF 2; minus strand). Cytogenetic location: Xp11.22.
Variant type: single nucleotide variant.
Coding change: c.2889+12G>C on transcript NM_001111125.3 (MANE Select); 12 bases into the intron after coding-DNA position 2889, G replaced by C.
Molecular consequence: intron variant.
Genome position (GRCh38, 1-based): chrX:53,243,320, C>G on the plus strand (G>C on the coding strand, the complement: IQSEC2 is on the minus strand). VCF-style: chrX-53243320-C-G. GRCh37 (hg19) VCF-style: chrX-53272502-C-G.
Other names: c.2274+12G>C (NM_015075.2).
Identifiers: ClinVar variation 2019968 (VCV002019968.4), dbSNP rs2074253135, ClinGen allele CA1133161630.